The following is an entry in ClinVar:

ClinVar aggregate classification (germline): Uncertain significance (1 of 4 stars; one submission).

Conditions:
Deficiency of ferroxidase (ACEP). Also called: Aceruloplasminemia; Deficiency of ceruloplasmin; NEURODEGENERATION WITH BRAIN IRON ACCUMULATION 10; Ceruloplasmin deficiency; Familial apoceruloplasmin deficiency; Hereditary ceruloplasmin deficiency. Identifiers: Orphanet 48818, MedGen C0878682, MONDO:0011426, OMIM 604290, HP:0025498.

Allele frequency attached by ClinVar (database versions not stated): TOPMed 0.00003; gnomAD 0.00011; gnomAD exomes 0.00011; ExAC 0.00015; 1000 Genomes Project 30x 0.00016; 1000 Genomes Project 0.00020.
gnomAD v4.1: 103 of 1,614,076 alleles (0.0064%); highest among the groups gnomAD compares: South Asian, 0.0022%; no homozygotes.

Submission:

Labcorp Genetics (formerly Invitae), Labcorp
Classification: Uncertain significance for Deficiency of ferroxidase. Last evaluated: 2021-12-02. Review status: criteria provided, single submitter. Criteria: Invitae Variant Classification Sherloc (09022015). Collection method: clinical testing. Allele origin: germline.
Comment: In summary, the available evidence is currently insufficient to determine the role of this variant in disease. Therefore, it has been classified as a Variant of Uncertain Significance. Algorithms developed to predict the effect of missense changes on protein structure and function (SIFT, PolyPhen-2, Align-GVGD) all suggest that this variant is likely to be disruptive. This variant has not been reported in the literature in individuals affected with CP-related conditions. This variant is present in population databases (rs200706325, gnomAD 0.09%). This sequence change replaces proline, which is neutral and non-polar, with leucine, which is neutral and non-polar, at codon 632 of the CP protein (p.Pro632Leu).

NM_000096.4(CP):c.1895C>T (p.Pro632Leu)

Gene: CP (ceruloplasmin; minus strand). Cytogenetic location: 3q24.
Variant type: single nucleotide variant.
Coding change: c.1895C>T on transcript NM_000096.4 (MANE Select); coding-DNA position 1895, C replaced by T.
Protein change: p.Pro632Leu; replaces proline 632 with leucine.
Molecular consequence: missense variant.
Genome position (GRCh38, 1-based): chr3:149,186,702, G>A on the plus strand (C>T on the coding strand, the complement: CP is on the minus strand). VCF-style: chr3-149186702-G-A. GRCh37 (hg19) VCF-style: chr3-148904489-G-A.
Other names: short protein forms P632L.
Identifiers: ClinVar variation 1375301 (VCV001375301.7), dbSNP rs200706325, ClinGen allele CA2660897.
Genomic context (GRCh38, chr3:149,186,702, plus strand): 5'-TCATTTCCGGCGCTGAATAAGTACCACACGACCGAATCTCCTTTGCACATAGTGAGACCC[G>A]GCTGATTCCCATACATGAATCCATTCATGGCTGTAAAAGTTGGGAAATAACATTTTGGAA-3'
Protein context (NP_000087.2, residues 622-642): SMNGFMYGNQ[Pro632Leu]GLTMCKGDSV